The following is an entry in ClinVar:

ClinVar aggregate classification (germline): Uncertain significance (1 of 4 stars; one submission).

Conditions:
Hereditary cancer-predisposing syndrome. Also called: Neoplastic Syndromes, Hereditary; Tumor predisposition; Hereditary Cancer Syndrome; Hereditary neoplastic syndrome. Identifiers: Orphanet 140162, MedGen C0027672, MeSH D009386, MONDO:0015356.

Submission:

Ambry Genetics
Classification: Uncertain significance for Hereditary cancer-predisposing syndrome. Last evaluated: 2025-09-28. Review status: criteria provided, single submitter. Criteria: Ambry Variant Classification Scheme 2023. Collection method: clinical testing. Allele origin: germline.
Comment: The p.S661T variant (also known as c.1981T>A), located in coding exon 13 of the NBN gene, results from a T to A substitution at nucleotide position 1981. The serine at codon 661 is replaced by threonine, an amino acid with similar properties. This amino acid position is conserved. In addition, this alteration is predicted to be tolerated by in silico analysis. Based on the available evidence, the clinical significance of this variant remains unclear.

NM_002485.5(NBN):c.1981T>A (p.Ser661Thr)

Gene: NBN (nibrin; minus strand). Cytogenetic location: 8q21.3.
Variant type: single nucleotide variant.
Coding change: c.1981T>A on transcript NM_002485.5 (MANE Select); coding-DNA position 1981, T replaced by A.
Protein change: p.Ser661Thr; replaces serine 661 with threonine.
Molecular consequence: missense variant.
Genome position (GRCh38, 1-based): chr8:89,946,229, A>T on the plus strand (T>A on the coding strand, the complement: NBN is on the minus strand). VCF-style: chr8-89946229-A-T. GRCh37 (hg19) VCF-style: chr8-90958457-A-T.
Other names: c.1735T>A, p.Ser579Thr (NM_001024688.3, NM_001440380.1, NM_001440379.1); short protein forms S579T, S661T.
Identifiers: ClinVar variation 4660148 (VCV004660148.1).